The following is an entry in ClinVar:

ClinVar aggregate classification (germline): Uncertain significance (1 of 4 stars; one submission).

Conditions:
Cystinuria (CSNU). Also called: Cystinuria, non-type I; CYSTINURIA, TYPE I; CYSTINURIA, TYPE II; CYSTINURIA, TYPE III. Identifiers: Orphanet 214, MedGen C0010691, MONDO:0009067, OMIM 220100, HP:0003131.

Submission:

Illumina Laboratory Services, Illumina
Classification: Uncertain significance for Cystinuria. Last evaluated: 2017-04-27. Review status: criteria provided, single submitter. Criteria: ICSL Variant Classification Criteria 13 December 2019. Collection method: clinical testing. Allele origin: germline.
Comment: This variant was observed as part of a predisposition screen in an ostensibly healthy population. A literature search was performed for the gene, cDNA change, and amino acid change (where applicable). Publications were found based on this search. However, the evidence from the literature, in combination with allele frequency data from public databases where available, was not sufficient to rule this variant in or out of causing disease. Therefore, this variant is classified as a variant of unknown significance.

Literature cited by the submitters: PubMed 9768685.

NM_000341.4(SLC3A1):c.1934G>C (p.Gly645Ala)

Genes: PREPL (prolyl endopeptidase like; minus strand), SLC3A1 (solute carrier family 3 member 1; plus strand). Cytogenetic location: 2p21.
Variant type: single nucleotide variant.
Coding change: c.1934G>C on transcript NM_000341.4 (MANE Select); coding-DNA position 1934, G replaced by C.
Protein change: p.Gly645Ala; replaces glycine 645 with alanine.
Molecular consequence: missense variant. On other transcripts: 3 prime UTR variant (10).
Genome position (GRCh38, 1-based): chr2:44,320,515, G>C. VCF-style: chr2-44320515-G-C. GRCh37 (hg19) VCF-style: chr2-44547654-G-C.
Other names: c.*841C>G (NM_001042385.2, NM_001042386.2, NM_001171603.1 and 7 more transcripts); short protein forms G645A.
Identifiers: ClinVar variation 897604 (VCV000897604.4), dbSNP rs1672839012, ClinGen allele CA346687357.